The following is an entry in ClinVar:

ClinVar aggregate classification (germline): Uncertain significance (1 of 4 stars; one submission).

Allele frequency attached by ClinVar (database versions not stated): TOPMed below 0.00001.

Submission:

Ambry Genetics
Classification: Uncertain significance. Last evaluated: 2022-04-19. Review status: criteria provided, single submitter. Criteria: Ambry Variant Classification Scheme 2023. Collection method: clinical testing. Allele origin: germline.
Comment: The p.T218A variant (also known as c.652A>G), located in coding exon 1 of the EGLN1 gene, results from an A to G substitution at nucleotide position 652. The threonine at codon 218 is replaced by alanine, an amino acid with similar properties. This amino acid position is conserved. In addition, this alteration is predicted to be tolerated by in silico analysis. Since supporting evidence is limited at this time, the clinical significance of this alteration remains unclear.

NM_022051.3(EGLN1):c.652A>G (p.Thr218Ala)

Gene: EGLN1 (egl-9 family hypoxia inducible factor 1; minus strand). Cytogenetic location: 1q42.2.
Variant type: single nucleotide variant.
Coding change: c.652A>G on transcript NM_022051.3 (MANE Select); coding-DNA position 652, A replaced by G.
Protein change: p.Thr218Ala; replaces threonine 218 with alanine.
Molecular consequence: missense variant.
Genome position (GRCh38, 1-based): chr1:231,421,237, T>C on the plus strand (A>G on the coding strand, the complement: EGLN1 is on the minus strand). VCF-style: chr1-231421237-T-C. GRCh37 (hg19) VCF-style: chr1-231556983-T-C.
Other names: c.652A>G, p.Thr218Ala (NM_001377260.1, NM_001377261.1); short protein forms T218A.
Identifiers: ClinVar variation 1754061 (VCV001754061.3), dbSNP rs1261832084, ClinGen allele CA345236116.